The following is an entry in ClinVar:

ClinVar aggregate classification (germline): Likely benign (0 of 4 stars; one submission).

Conditions:
MYO1F-related disorder. Also called: MYO1F-related condition.

Allele frequency attached by ClinVar (database versions not stated): gnomAD exomes 0.00013; ExAC 0.00050; 1000 Genomes Project 0.00120; gnomAD 0.00123; TOPMed 0.00135; 1000 Genomes Project 30x 0.00141; ESP Exome Variant Server 0.00192.
gnomAD v4.1: 374 of 1,614,196 alleles (0.023%); highest among the groups gnomAD compares: African/African-American, 0.45%; 2 homozygotes.

Submission:

PreventionGenetics, part of Exact Sciences
Classification: Likely benign for MYO1F-related condition. Last evaluated: 2019-10-28. Review status: no assertion criteria provided. Collection method: clinical testing. Allele origin: germline.
Comment: This variant is classified as likely benign based on ACMG/AMP sequence variant interpretation guidelines (Richards et al. 2015 PMID: 25741868, with internal and published modifications).

NM_012335.4(MYO1F):c.468C>T (p.Asn156=)

Gene: MYO1F (myosin IF; minus strand). Cytogenetic location: 19p13.2.
Variant type: single nucleotide variant.
Coding change: c.468C>T on transcript NM_012335.4 (MANE Select); coding-DNA position 468, C replaced by T.
Protein change: p.Asn156=; no amino-acid change (asparagine 156 retained).
Molecular consequence: synonymous variant.
Genome position (GRCh38, 1-based): chr19:8,553,175, G>A on the plus strand (C>T on the coding strand, the complement: MYO1F is on the minus strand). VCF-style: chr19-8553175-G-A. GRCh37 (hg19) VCF-style: chr19-8618059-G-A.
Other names: c.468C>T, p.Asn156= (NM_001348355.2).
Identifiers: ClinVar variation 3040148 (VCV003040148.2), dbSNP rs35506435, ClinGen allele CA9159672.